The following is an entry in ClinVar:

ClinVar aggregate classification (germline): Pathogenic. Review status: criteria provided, multiple submitters, no conflicts (2 of 4 stars). 2 submissions from 2 submitters: Pathogenic (2). Last evaluated 2024-05-08.

Conditions:
Choroideremia. Also called: Chorioretinal scalloped atrophy. Identifiers: Orphanet 180, MedGen C0008525, MONDO:0010557, OMIM 303100, HP:0001139.

Submissions (2):

Myriad Genetics, Inc.
Classification: Pathogenic for Choroideremia. Last evaluated: 2024-05-08. Review status: criteria provided, single submitter. Criteria: Myriad Autosomal Dominant, Autosomal Recessive and X-Linked Classification Criteria (2023). Collection method: clinical testing. Allele origin: unknown.
Comment: NM_000390.2(CHM):c.575C>A(S192*) is expected to be pathogenic in the context of X-linked choroideremia. This variant is predicted to lead to an abnormal or absent protein product due to the creation of a premature termination codon in CHM, a gene where loss-of-function variants are known to be pathogenic. Please note: this variant was assessed in the context of healthy population screening.

Labcorp Genetics (formerly Invitae), Labcorp
Classification: Pathogenic. Last evaluated: 2022-04-24. Review status: criteria provided, single submitter. Criteria: Invitae Variant Classification Sherloc (09022015). Collection method: clinical testing. Allele origin: germline.
Comment: For these reasons, this variant has been classified as Pathogenic. This variant has not been reported in the literature in individuals affected with CHM-related conditions. This variant is not present in population databases (gnomAD no frequency). This sequence change creates a premature translational stop signal (p.Ser192*) in the CHM gene. It is expected to result in an absent or disrupted protein product. Loss-of-function variants in CHM are known to be pathogenic (PMID: 9067750, 23811034).

Literature cited by the submitters: PubMed 9067750 (cited by Labcorp Genetics (formerly Invitae), Labcorp); PubMed 23811034 (cited by Labcorp Genetics (formerly Invitae), Labcorp).

NM_000390.4(CHM):c.575C>A (p.Ser192Ter)

Gene: CHM (CHM Rab escort protein; minus strand). Cytogenetic location: Xq21.2.
Variant type: single nucleotide variant.
Coding change: c.575C>A on transcript NM_000390.4 (MANE Select); coding-DNA position 575, C replaced by A.
Protein change: p.Ser192Ter; replaces serine 192 with a stop codon.
Molecular consequence: nonsense.
Genome position (GRCh38, 1-based): chrX:85,963,792, G>T on the plus strand (C>A on the coding strand, the complement: CHM is on the minus strand). VCF-style: chrX-85963792-G-T. GRCh37 (hg19) VCF-style: chrX-85218797-G-T.
Other names: c.131C>A, p.Ser44Ter (NM_001320959.1, NM_001362517.1, NM_001362518.2 and 1 more transcripts); short protein forms S44*, S192*.
Identifiers: ClinVar variation 2129938 (VCV002129938.5), dbSNP rs2520272389, ClinGen allele CA413786707.
Genomic context (GRCh38, chrX:85,963,792, plus strand): 5'-TTCTTTGGTTGCTCTGTGGTATCTTCTGCTATAGGCACATTTTCACTCATGTCTTCTGCT[G>T]AAGTTGATGGCACACAAGTTTTATCATCACAATGGTTTTCTTTTTCCCCTGTCACTTCAG-3'